The following is an entry in ClinVar:

ClinVar aggregate classification (germline): Uncertain significance (1 of 4 stars; one submission).

Conditions:
Familial thoracic aortic aneurysm and aortic dissection (TAAD). Also called: Thoracic aortic aneurysms and dissections. Identifiers: Orphanet 91387, MedGen C4707243, MONDO:0019625.

Submission:

Ambry Genetics
Classification: Uncertain significance for Familial thoracic aortic aneurysm and aortic dissection. Last evaluated: 2021-11-24. Review status: criteria provided, single submitter. Criteria: Ambry Variant Classification Scheme 2023. Collection method: clinical testing. Allele origin: germline.
Comment: The p.T233A variant (also known as c.697A>G), located in coding exon 2 of the SLC2A10 gene, results from an A to G substitution at nucleotide position 697. The threonine at codon 233 is replaced by alanine, an amino acid with similar properties. This amino acid position is conserved. In addition, this alteration is predicted to be tolerated by in silico analysis. Since supporting evidence is limited at this time, the clinical significance of this alteration remains unclear.

NM_030777.4(SLC2A10):c.697A>G (p.Thr233Ala)

Gene: SLC2A10 (solute carrier family 2 member 10; plus strand). Cytogenetic location: 20q13.12.
Variant type: single nucleotide variant.
Coding change: c.697A>G on transcript NM_030777.4 (MANE Select); coding-DNA position 697, A replaced by G.
Protein change: p.Thr233Ala; replaces threonine 233 with alanine.
Molecular consequence: missense variant.
Genome position (GRCh38, 1-based): chr20:46,725,733, A>G. VCF-style: chr20-46725733-A-G. GRCh37 (hg19) VCF-style: chr20-45354372-A-G.
Other names: short protein forms T233A.
Identifiers: ClinVar variation 1756414 (VCV001756414.2), dbSNP rs190252962, ClinGen allele CA315756000.